The following is an entry in ClinVar:

NM_005068.3(SIM1):c.2173G>T (p.Glu725Ter)

Gene: SIM1 (SIM bHLH transcription factor 1; minus strand). Cytogenetic location: 6q16.3.
Variant type: single nucleotide variant.
Coding change: c.2173G>T on transcript NM_005068.3 (MANE Select); coding-DNA position 2173, G replaced by T.
Protein change: p.Glu725Ter; replaces glutamic acid 725 with a stop codon.
Molecular consequence: nonsense.
Genome position (GRCh38, 1-based): chr6:100,390,489, C>A on the plus strand (G>T on the coding strand, the complement: SIM1 is on the minus strand). VCF-style: chr6-100390489-C-A. GRCh37 (hg19) VCF-style: chr6-100838365-C-A.
Other names: c.2173G>T, p.Glu725Ter (NM_001374769.1); short protein forms E725*.
Identifiers: ClinVar variation 3345568 (VCV003345568.1).

ClinVar aggregate classification (germline): Uncertain significance (0 of 4 stars; one submission).

Conditions:
SIM1-related disorder. Also called: SIM1-related condition; SIM1-related disorders.

Submission:

PreventionGenetics, part of Exact Sciences
Classification: Uncertain significance for SIM1-related condition. Last evaluated: 2024-05-22. Review status: no assertion criteria provided. Collection method: clinical testing. Allele origin: germline.
Comment: The SIM1 c.2173G>T variant is predicted to result in premature protein termination (p.Glu725*). This variant is expected to result in the loss of the last 41 residues of the SIM1 protein. To our knowledge, this variant has not been reported in the literature or in a large population database, indicating this variant is rare. At this time, the clinical significance of this variant is uncertain due to the absence of conclusive functional and genetic evidence.